The following is an entry in ClinVar:

ClinVar aggregate classification (germline): Likely benign (1 of 4 stars; one submission).

Allele frequency attached by ClinVar (database versions not stated): gnomAD exomes 0.00003.
gnomAD v4.1: 9 of 947,518 alleles (0.00095%); highest among the groups gnomAD compares: South Asian, 0.01%; 2 homozygotes.

Submission:

CeGaT Center for Human Genetics Tuebingen
Classification: Likely benign. Last evaluated: 2023-11-01. Review status: criteria provided, single submitter. Criteria: CeGaT Center For Human Genetics Tuebingen Variant Classification Criteria Version 2. Collection method: clinical testing. Allele origin: germline. Affected: yes. Observed: 1 variant allele.
Comment: NEB: BP4

NM_001164508.2(NEB):c.12682T>A (p.Tyr4228Asn)

Gene: NEB (nebulin; minus strand). Cytogenetic location: 2q23.3.
Variant type: single nucleotide variant.
Coding change: c.12682T>A on transcript NM_001164508.2 (MANE Select); coding-DNA position 12682, T replaced by A.
Protein change: p.Tyr4228Asn; replaces tyrosine 4228 with asparagine.
Molecular consequence: missense variant. On other transcripts: intron variant (1).
Genome position (GRCh38, 1-based): chr2:151,606,671, A>T on the plus strand (T>A on the coding strand, the complement: NEB is on the minus strand). VCF-style: chr2-151606671-A-T. GRCh37 (hg19) VCF-style: chr2-152463185-A-T.
Other names: c.12682T>A, p.Tyr4228Asn (NM_001164507.2, NM_001271208.2); c.11601+3138T>A (NM_004543.5); short protein forms Y4228N.
Identifiers: ClinVar variation 2672829 (VCV002672829.23), dbSNP rs1329547959, ClinGen allele CA348774495.
Genomic context (GRCh38, chr2:151,606,671, plus strand): 5'-TGGCAATTTCTCTGGAGGCCTTGGCGTGCTTGATTTCAATGGCATCTGCCCTTATGTCAT[A>T]GCCTTTCTGCTTGGCGTCATTCCAGTCTTTTTGGTAGAGTTTCTATAGAGGGAAAATAAA-3'
Protein context (NP_001157980.2, residues 4218-4238): KDWNDAKQKG[Tyr4228Asn]DIRADAIEIK